The following is an entry in ClinVar:

ClinVar aggregate classification (germline): Uncertain significance (1 of 4 stars; one submission).

Conditions:
Hereditary cancer-predisposing syndrome. Also called: Neoplastic Syndromes, Hereditary; Tumor predisposition; Hereditary neoplastic syndrome; Hereditary Cancer Syndrome. Identifiers: Orphanet 140162, MedGen C0027672, MeSH D009386, MONDO:0015356.

Submission:

Ambry Genetics
Classification: Uncertain significance for Hereditary cancer-predisposing syndrome. Last evaluated: 2026-06-24. Review status: criteria provided, single submitter. Criteria: Ambry Variant Classification Scheme 2023. Collection method: clinical testing. Allele origin: germline.
Comment: The p.P286L variant (also known as c.857C>T), located in coding exon 7 of the TSC1 gene, results from a C to T substitution at nucleotide position 857. The proline at codon 286 is replaced by leucine, an amino acid with similar properties. This amino acid position is conserved. In addition, the in silico prediction for this alteration is inconclusive. Based on the available evidence, the clinical significance of this variant remains unclear.

NM_000368.5(TSC1):c.857C>T (p.Pro286Leu)

Gene: TSC1 (TSC complex subunit 1; minus strand). Cytogenetic location: 9q34.13.
Variant type: single nucleotide variant.
Coding change: c.857C>T on transcript NM_000368.5 (MANE Select); coding-DNA position 857, C replaced by T.
Protein change: p.Pro286Leu; replaces proline 286 with leucine.
Molecular consequence: missense variant. On other transcripts: 5 prime UTR variant (5), non-coding transcript variant (5).
Genome position (GRCh38, 1-based): chr9:132,912,338, G>A on the plus strand (C>T on the coding strand, the complement: TSC1 is on the minus strand). VCF-style: chr9-132912338-G-A. GRCh37 (hg19) VCF-style: chr9-135787725-G-A.
Other names: c.857C>T, p.Pro286Leu (NM_001406593.1, NM_001406594.1, NM_001406595.1 and 16 more transcripts); c.704C>T, p.Pro235Leu (NM_001406612.1, NM_001406613.1, NM_001162427.2 and 2 more transcripts); c.494C>T, p.Pro165Leu (NM_001406614.1, NM_001406615.1, NM_001406616.1 and 10 more transcripts); c.-95C>T (NM_001406626.1, NM_001406627.1, NM_001406628.1); c.-237C>T (NM_001406629.1, NM_001406630.1); short protein forms P235L, P165L, P286L.
Identifiers: ClinVar variation 5031204 (VCV005031204.1).